The following is an entry in ClinVar:

NM_001375524.1(TRRAP):c.8045T>C (p.Phe2682Ser)

Gene: TRRAP (transformation/transcription domain associated protein; plus strand). Cytogenetic location: 7q22.1.
Variant type: single nucleotide variant.
Coding change: c.8045T>C on transcript NM_001375524.1 (MANE Select); coding-DNA position 8045, T replaced by C.
Protein change: p.Phe2682Ser; replaces phenylalanine 2682 with serine.
Molecular consequence: missense variant.
Genome position (GRCh38, 1-based): chr7:98,976,568, T>C. VCF-style: chr7-98976568-T-C. GRCh37 (hg19) VCF-style: chr7-98574191-T-C.
Other names: c.8024T>C, p.Phe2675Ser (NM_001244580.2); c.7970T>C, p.Phe2657Ser (NM_003496.4); short protein forms F2657S, F2675S, F2682S.
Identifiers: ClinVar variation 4976484 (VCV004976484.1).

ClinVar aggregate classification (germline): Uncertain significance (1 of 4 stars; one submission).

Submission:

GeneDx
Classification: Uncertain significance. Last evaluated: 2026-02-09. Review status: criteria provided, single submitter. Criteria: GeneDx Variant Classification Process June 2021. Collection method: clinical testing. Allele origin: germline.
Comment: Not observed at significant frequency in large population cohorts (gnomAD); In silico analysis supports that this missense variant has a deleterious effect on protein structure/function; Has not been previously published as pathogenic or benign to our knowledge